The following is an entry in ClinVar:

NM_004304.5(ALK):c.3656C>T (p.Ser1219Phe)

Gene: ALK (ALK receptor tyrosine kinase; minus strand). Cytogenetic location: 2p23.2.
Variant type: single nucleotide variant.
Coding change: c.3656C>T on transcript NM_004304.5 (MANE Select); coding-DNA position 3656, C replaced by T.
Protein change: p.Ser1219Phe; replaces serine 1219 with phenylalanine.
Molecular consequence: missense variant.
Genome position (GRCh38, 1-based): chr2:29,214,071, G>A on the plus strand (C>T on the coding strand, the complement: ALK is on the minus strand). VCF-style: chr2-29214071-G-A. GRCh37 (hg19) VCF-style: chr2-29436937-G-A.
Other names: c.452C>T, p.Ser151Phe (NM_001353765.2); short protein forms S1219F, S151F.
Identifiers: ClinVar variation 943541 (VCV000943541.13), dbSNP rs752728718, ClinGen allele CA1593812.

ClinVar aggregate classification (germline): Conflicting classifications of pathogenicity. Review status: criteria provided, conflicting classifications (1 of 4 stars). 2 submissions from 2 submitters: Uncertain significance (1); Likely benign (1). Last evaluated 2024-10-02.

Conditions:
Neuroblastoma, susceptibility to, 3. Also called: ALK-Related Neuroblastic Tumor Susceptibility. Identifiers: Orphanet 635, MedGen C2751681, MONDO:0013083, OMIM 613014.
Hereditary cancer-predisposing syndrome. Also called: Neoplastic Syndromes, Hereditary; Hereditary neoplastic syndrome; Hereditary Cancer Syndrome; Tumor predisposition. Identifiers: Orphanet 140162, MedGen C0027672, MeSH D009386, MONDO:0015356.

Allele frequency attached by ClinVar (database versions not stated): TOPMed below 0.00001; gnomAD exomes 0.00001 and 0.00002; ExAC 0.00004.
gnomAD v4.1: 13 of 1,614,052 alleles (0.00081%); highest among the groups gnomAD compares: South Asian, 0.012%; no homozygotes.

Submissions (2):

Ambry Genetics
Classification: Likely benign for Hereditary cancer-predisposing syndrome. Last evaluated: 2024-10-02. Review status: criteria provided, single submitter. Criteria: Ambry Variant Classification Scheme 2023. Collection method: clinical testing. Allele origin: germline.

Labcorp Genetics (formerly Invitae), Labcorp
Classification: Uncertain significance for Neuroblastoma, susceptibility to, 3. Last evaluated: 2023-04-12. Review status: criteria provided, single submitter. Criteria: Invitae Variant Classification Sherloc (09022015). Collection method: clinical testing. Allele origin: germline.
Comment: An algorithm developed to predict the effect of missense changes on protein structure and function (PolyPhen-2) suggests that this variant is likely to be disruptive. ClinVar contains an entry for this variant (Variation ID: 943541). In summary, the available evidence is currently insufficient to determine the role of this variant in disease. Therefore, it has been classified as a Variant of Uncertain Significance. This variant has not been reported in the literature in individuals affected with ALK-related conditions. This variant is present in population databases (rs752728718, gnomAD 0.02%). This sequence change replaces serine, which is neutral and polar, with phenylalanine, which is neutral and non-polar, at codon 1219 of the ALK protein (p.Ser1219Phe).